The following is an entry in ClinVar:

NM_030928.4(CDT1):c.922G>A (p.Glu308Lys)

Gene: CDT1 (chromatin licensing and DNA replication factor 1; plus strand). Cytogenetic location: 16q24.3.
Variant type: single nucleotide variant.
Coding change: c.922G>A on transcript NM_030928.4 (MANE Select); coding-DNA position 922, G replaced by A.
Protein change: p.Glu308Lys; replaces glutamic acid 308 with lysine.
Molecular consequence: missense variant.
Genome position (GRCh38, 1-based): chr16:88,806,110, G>A. VCF-style: chr16-88806110-G-A. GRCh37 (hg19) VCF-style: chr16-88872518-G-A.
Other names: c.922G>A (NM_030928.3); short protein forms E308K.
Identifiers: ClinVar variation 1415040 (VCV001415040.9), dbSNP rs764489464, ClinGen allele CA8233894.

ClinVar aggregate classification (germline): Uncertain significance. Review status: criteria provided, multiple submitters, no conflicts (2 of 4 stars). 2 submissions from 2 submitters: Uncertain significance (2). Last evaluated 2024-11-09.

Conditions:
Inborn genetic diseases. Identifiers: MedGen C0950123, MeSH D030342.

Allele frequency attached by ClinVar (database versions not stated): gnomAD 0.00007; ExAC 0.00002; gnomAD exomes 0.00001; TOPMed 0.00008.

Submissions (2):

Ambry Genetics
Classification: Uncertain significance for Inborn genetic diseases. Last evaluated: 2024-11-09. Review status: criteria provided, single submitter. Criteria: Ambry Variant Classification Scheme 2023. Collection method: clinical testing. Allele origin: germline.

Labcorp Genetics (formerly Invitae), Labcorp
Classification: Uncertain significance. Last evaluated: 2022-06-09. Review status: criteria provided, single submitter. Criteria: Invitae Variant Classification Sherloc (09022015). Collection method: clinical testing. Allele origin: germline.
Comment: Algorithms developed to predict the effect of missense changes on protein structure and function (SIFT, PolyPhen-2, Align-GVGD) all suggest that this variant is likely to be tolerated. In summary, the available evidence is currently insufficient to determine the role of this variant in disease. Therefore, it has been classified as a Variant of Uncertain Significance. This variant has not been reported in the literature in individuals affected with CDT1-related conditions. The frequency data for this variant in the population databases is considered unreliable, as metrics indicate poor data quality at this position in the gnomAD database. This sequence change replaces glutamic acid, which is acidic and polar, with lysine, which is basic and polar, at codon 308 of the CDT1 protein (p.Glu308Lys).